The following is an entry in ClinVar:

ClinVar aggregate classification (germline): Uncertain significance (1 of 4 stars; one submission).

Conditions:
Hereditary cancer-predisposing syndrome. Also called: Neoplastic Syndromes, Hereditary; Tumor predisposition; Hereditary neoplastic syndrome; Hereditary Cancer Syndrome. Identifiers: Orphanet 140162, MedGen C0027672, MeSH D009386, MONDO:0015356.

gnomAD v4.1: 2 of 1,591,168 alleles (0.00013%); highest among the groups gnomAD compares: East Asian, 0.0023%; no homozygotes.

Submission:

Ambry Genetics
Classification: Uncertain significance for Hereditary cancer-predisposing syndrome. Last evaluated: 2025-05-13. Review status: criteria provided, single submitter. Criteria: Ambry Variant Classification Scheme 2023. Collection method: clinical testing. Allele origin: germline.
Comment: The p.P69L variant (also known as c.206C>T), located in coding exon 1 of the MEN1 gene, results from a C to T substitution at nucleotide position 206. The proline at codon 69 is replaced by leucine, an amino acid with similar properties. This amino acid position is well conserved in available vertebrate species. In addition, the in silico prediction for this alteration is inconclusive. Based on the available evidence, the clinical significance of this variant remains unclear.

NM_001370259.2(MEN1):c.206C>T (p.Pro69Leu)

Gene: MEN1 (menin 1; minus strand). Cytogenetic location: 11q13.1.
Variant type: single nucleotide variant.
Coding change: c.206C>T on transcript NM_001370259.2 (MANE Select); coding-DNA position 206, C replaced by T.
Protein change: p.Pro69Leu; replaces proline 69 with leucine.
Molecular consequence: missense variant. On other transcripts: non-coding transcript variant (4).
Genome position (GRCh38, 1-based): chr11:64,809,904, G>A on the plus strand (C>T on the coding strand, the complement: MEN1 is on the minus strand). VCF-style: chr11-64809904-G-A. GRCh37 (hg19) VCF-style: chr11-64577376-G-A.
Other names: c.206C>T, p.Pro69Leu (NM_000244.4, NM_001370251.2, NM_001370260.2 and 20 more transcripts); short protein forms P69L.
Identifiers: ClinVar variation 4053786 (VCV004053786.1).